The following is an entry in ClinVar:

ClinVar aggregate classification (germline): Uncertain significance (1 of 4 stars; one submission).

Conditions:
Emery-Dreifuss muscular dystrophy 4, autosomal dominant (EDMD4). Also called: EMERY-DREIFUSS MUSCULAR DYSTROPHY 4 WITH VARIABLE FEATURES. Identifiers: Orphanet 261, MedGen C2751807, MONDO:0013071, OMIM 612998.
Autosomal recessive ataxia, Beauce type. Also called: SYNE1 Deficiency; Spinocerebellar ataxia, autosomal recessive 8; ATAXIA, RECESSIVE, OF BEAUCE; SYNE1-Related Autosomal Recessive Cerebellar Ataxia. Identifiers: Orphanet 88644, MedGen C1853116, MONDO:0012549, OMIM 610743.

Allele frequency attached by ClinVar (database versions not stated): gnomAD 0.00003; TOPMed 0.00005; ESP Exome Variant Server 0.00023.
gnomAD v4.1: 12 of 1,613,942 alleles (0.00074%); highest among the groups gnomAD compares: African/African-American, 0.004%; no homozygotes.

Submission:

Labcorp Genetics (formerly Invitae), Labcorp
Classification: Uncertain significance for Emery-Dreifuss muscular dystrophy 4, autosomal dominant; Autosomal recessive ataxia, Beauce type. Last evaluated: 2022-01-21. Review status: criteria provided, single submitter. Criteria: Invitae Variant Classification Sherloc (09022015). Collection method: clinical testing. Allele origin: germline.
Comment: In summary, the available evidence is currently insufficient to determine the role of this variant in disease. Therefore, it has been classified as a Variant of Uncertain Significance. Algorithms developed to predict the effect of missense changes on protein structure and function (SIFT, PolyPhen-2, Align-GVGD) all suggest that this variant is likely to be disruptive. This variant has not been reported in the literature in individuals affected with SYNE1-related conditions. This variant is present in population databases (rs375152186, gnomAD 0.01%). This sequence change replaces arginine, which is basic and polar, with glutamine, which is neutral and polar, at codon 2872 of the SYNE1 protein (p.Arg2872Gln).

NM_182961.4(SYNE1):c.8594G>A (p.Arg2865Gln)

Genes: SYNE1 (spectrin repeat containing nuclear envelope protein 1; minus strand), LOC126859838 (CDK7 strongly-dependent group 2 enhancer GRCh37_chr6:152706655-152707854; plus strand). Cytogenetic location: 6q25.2.
Variant type: single nucleotide variant.
Coding change: c.8594G>A on transcript NM_182961.4 (MANE Select); coding-DNA position 8594, G replaced by A.
Protein change: p.Arg2865Gln; replaces arginine 2865 with glutamine.
Molecular consequence: missense variant.
Genome position (GRCh38, 1-based): chr6:152,385,732, C>T on the plus strand (G>A on the coding strand, the complement: SYNE1 is on the minus strand). VCF-style: chr6-152385732-C-T. GRCh37 (hg19) VCF-style: chr6-152706867-C-T.
Other names: c.8615G>A, p.Arg2872Gln (NM_033071.5); short protein forms R2865Q, R2872Q.
Identifiers: ClinVar variation 2037702 (VCV002037702.2), dbSNP rs375152186, ClinGen allele CA4057507.